The following is an entry in ClinVar:

NM_032242.4(PLXNA1):c.3195C>G (p.Leu1065=)

Gene: PLXNA1 (plexin A1; plus strand). Cytogenetic location: 3q21.3.
Variant type: single nucleotide variant.
Coding change: c.3195C>G on transcript NM_032242.4 (MANE Select); coding-DNA position 3195, C replaced by G.
Protein change: p.Leu1065=; no amino-acid change (leucine 1065 retained).
Molecular consequence: synonymous variant.
Genome position (GRCh38, 1-based): chr3:127,016,956, C>G. VCF-style: chr3-127016956-C-G. GRCh37 (hg19) VCF-style: chr3-126735799-C-G.
Identifiers: ClinVar variation 4995129 (VCV004995129.1).

ClinVar aggregate classification (germline): Likely benign (1 of 4 stars; one submission).

Conditions:
PLXNA1-related disorder. Also called: PLXNA1-related condition.

gnomAD v4.1: 2 of 1,613,116 alleles (0.00012%); highest among the groups gnomAD compares: African/African-American, 0.0027%; no homozygotes.

Submission:

PreventionGenetics, part of Exact Sciences
Classification: Likely benign for PLXNA1-related condition. Last evaluated: 2025-12-26. Review status: criteria provided, single submitter. Criteria: ACMG Guidelines, 2015. Collection method: clinical testing. Allele origin: germline.
Comment: This variant is classified as likely benign based on ACMG/AMP sequence variant interpretation guidelines (Richards et al. 2015 PMID: 25741868, with internal and published modifications).